The following is an entry in ClinVar:

ClinVar aggregate classification (germline): Uncertain significance. Review status: criteria provided, multiple submitters, no conflicts (2 of 4 stars). 4 submissions from 3 submitters: Uncertain significance (4). Last evaluated 2023-05-20.

Conditions:
Syndromic X-linked intellectual disability Najm type (MICPCH). Also called: Mental retardation and microcephaly with pontine and cerebellar hypoplasia; MENTAL RETARDATION, X-LINKED, SYNDROMIC, NAJM TYPE; MICPCH SYNDROME; Intellectual developmental disorder and microcephaly with pontine and cerebellar hypoplasia; Intellectual Disability and Microcephaly with Pontine and Cerebellar Hypoplasia (MICPCH); Intellectual Disability and Microcephaly with Pontine and Cerebellar Hypoplasia. Identifiers: Orphanet 163937, MedGen C2677903, MONDO:0010417, OMIM 300749.
FG syndrome 4 (FGS4). Identifiers: MedGen C1845546, MONDO:0010318, OMIM 300422.
Intellectual disability, CASK-related, X-linked. Identifiers: MedGen CN043158.

Allele frequency attached by ClinVar (database versions not stated): ExAC 0.00001; gnomAD exomes 0.00001 and 0.00002.
gnomAD v4.1: 24 of 1,209,737 alleles (0.002%); highest among the groups gnomAD compares: South Asian, 0.0088%; no homozygotes.

Submissions (4):

Neuberg Centre For Genomic Medicine, NCGM
Classification: Uncertain significance for Syndromic X-linked intellectual disability Najm type. Last evaluated: 2023-05-20. Review status: criteria provided, single submitter. Criteria: ACMG Guidelines, 2015. Collection method: clinical testing. Allele origin: germline. Inheritance: X-linked dominant inheritance. Affected: yes.
Comment: The observed missense variant c.2734C>T(p.Leu912Phe) in CASK gene has not been reported previously as a pathogenic variant nor as a benign variant, to our knowledge. The c.2734C>T variant has 0.001% allele frequency in gnomAD Exomes. This variant has been submitted to the ClinVar database as Uncertain Significance. However, no details are available for independent assessment.The amino acid Leucine at position 912 is changed to a Phenylalanine changing protein sequence and it might alter its composition and physico-chemical properties. The reference amino acid p.Leu912Phe in CASK is predicted as conserved by GERP++ and PhyloP across 100 vertebrates. Multiple lines of computational evidence (Polyphen-possibly damaging, SIFT-damaging and Mutation Taster-disease_causing) predict a damaging effect on protein structure and function for this variant. For these reasons, this variant has been classified as Uncertain Significance.

Revvity Omics, Revvity
Classification: Uncertain significance. Last evaluated: 2022-03-21. Review status: criteria provided, single submitter. Criteria: ACMG Guidelines, 2015. Collection method: clinical testing. Allele origin: germline.

Labcorp Genetics (formerly Invitae), Labcorp
Classification: Uncertain significance for Intellectual disability, CASK-related, X-linked. Last evaluated: 2018-11-19. Review status: criteria provided, single submitter. Criteria: Invitae Variant Classification Sherloc (09022015). Collection method: clinical testing. Allele origin: germline.
Comment: Algorithms developed to predict the effect of missense changes on protein structure and function (SIFT, PolyPhen-2, Align-GVGD) all suggest that this variant is likely to be tolerated, but these predictions have not been confirmed by published functional studies and their clinical significance is uncertain. In summary, the available evidence is currently insufficient to determine the role of this variant in disease. Therefore, it has been classified as a Variant of Uncertain Significance. This variant has not been reported in the literature in individuals with CASK-related disease. This variant is present in population databases (rs777220099, ExAC 0.01%). This sequence change replaces leucine with phenylalanine at codon 907 of the CASK protein (p.Leu907Phe). The leucine residue is highly conserved and there is a small physicochemical difference between leucine and phenylalanine.

Neuberg Centre For Genomic Medicine, NCGM
Classification: Uncertain significance for FG syndrome 4. Review status: criteria provided, single submitter. Criteria: ACMG Guidelines, 2015. Collection method: clinical testing. Allele origin: germline. Affected: yes.
Comment: The observed variant has been reported to the ClinVar database as Uncertain Significance (VUS) but not reported in any affected individual. The p.Leu912Phe variant is novel (not in any individuals) in 1000 Genomes. The amino acid Leu at position 912 is changed to a Phe changing protein sequence and it might alter its composition and physico-chemical properties. The variant is predicted to be damaging by both SIFT and PolyPhen2. The residue is conserved across species. The amino acid change p.Leu912Phe in CASK is predicted as conserved by GERP++ and PhyloP across 100 vertebrates. For these reasons, this variant has been classified as Uncertain Significance.

NM_001367721.1(CASK):c.2734C>T (p.Leu912Phe)

Genes: CASK (calcium/calmodulin dependent serine protein kinase; minus strand), CASK-AS1 (CASK antisense RNA 1; plus strand). Cytogenetic location: Xp11.4.
Variant type: single nucleotide variant.
Coding change: c.2734C>T on transcript NM_001367721.1 (MANE Select); coding-DNA position 2734, C replaced by T.
Protein change: p.Leu912Phe; replaces leucine 912 with phenylalanine.
Molecular consequence: missense variant.
Genome position (GRCh38, 1-based): chrX:41,520,467, G>A on the plus strand (C>T on the coding strand, the complement: CASK is on the minus strand). VCF-style: chrX-41520467-G-A. GRCh37 (hg19) VCF-style: chrX-41379720-G-A.
Other names: c.2650C>T, p.Leu884Phe (NM_001126054.3); c.2647C>T, p.Leu883Phe (NM_001126055.3); c.2716C>T, p.Leu906Phe (NM_001410745.1); c.2719C>T, p.Leu907Phe (NM_003688.4); short protein forms L883F, L912F, L907F, L884F, L906F.
Identifiers: ClinVar variation 658905 (VCV000658905.14), dbSNP rs777220099, ClinGen allele CA10389966.